The following is an entry in ClinVar:

ClinVar aggregate classification (germline): Uncertain significance (1 of 4 stars; one submission).

Allele frequency attached by ClinVar (database versions not stated): gnomAD 0.00001; ESP Exome Variant Server 0.00008; gnomAD exomes 0.00001; TOPMed below 0.00001; ExAC 0.00001.
gnomAD v4.1: 9 of 1,614,054 alleles (0.00056%); highest among the groups gnomAD compares: Non-Finnish European, 0.00076%; no homozygotes.

Submission:

Labcorp Genetics (formerly Invitae), Labcorp
Classification: Uncertain significance. Last evaluated: 2025-05-29. Review status: criteria provided, single submitter. Criteria: Invitae Variant Classification Sherloc (09022015). Collection method: clinical testing. Allele origin: germline.
Comment: This sequence change replaces alanine, which is neutral and non-polar, with threonine, which is neutral and polar, at codon 39 of the HMCN1 protein (p.Ala39Thr). This variant is not present in population databases (gnomAD no frequency). This variant has not been reported in the literature in individuals affected with HMCN1-related conditions. ClinVar contains an entry for this variant (Variation ID: 2840065). An algorithm developed to predict the effect of missense changes on protein structure and function (PolyPhen-2) suggests that this variant is likely to be disruptive. In summary, the available evidence is currently insufficient to determine the role of this variant in disease. Therefore, it has been classified as a Variant of Uncertain Significance.

NM_031935.3(HMCN1):c.115G>A (p.Ala39Thr)

Gene: HMCN1 (hemicentin 1; plus strand). Cytogenetic location: 1q25.3.
Variant type: single nucleotide variant.
Coding change: c.115G>A on transcript NM_031935.3 (MANE Select); coding-DNA position 115, G replaced by A.
Protein change: p.Ala39Thr; replaces alanine 39 with threonine.
Molecular consequence: missense variant.
Genome position (GRCh38, 1-based): chr1:185,734,894, G>A. VCF-style: chr1-185734894-G-A. GRCh37 (hg19) VCF-style: chr1-185704026-G-A.
Other names: short protein forms A39T.
Identifiers: ClinVar variation 2840065 (VCV002840065.3), dbSNP rs138241069, ClinGen allele CA1290747.
Genomic context (GRCh38, chr1:185,734,894, plus strand): 5'-TCCCTAGCTCAAGATGCGAGCCCCCAGTCAGAGATCAGAGCTGAGGAAATTCCCGAGGGG[G>A]CCTCCACGTTGGCTTTTGTGTTTGATGTGACTGGTTCTATGTATGATGATTTAGTTCAGG-3'
Protein context (NP_114141.2, residues 29-49): EIRAEEIPEG[Ala39Thr]STLAFVFDVT